The following is an entry in ClinVar:

ClinVar aggregate classification (germline): Uncertain significance (1 of 4 stars; one submission).

Conditions:
TP63-Related Spectrum Disorders.

Allele frequency attached by ClinVar (database versions not stated): gnomAD exomes below 0.00001.
gnomAD v4.1: 1 of 1,614,144 alleles (0.000062%); highest among the groups gnomAD compares: Non-Finnish European, 0.000085%; no homozygotes.

Submission:

Labcorp Genetics (formerly Invitae), Labcorp
Classification: Uncertain significance. Last evaluated: 2022-10-01. Review status: criteria provided, single submitter. Criteria: Invitae Variant Classification Sherloc (09022015). Collection method: clinical testing. Allele origin: germline.
Comment: In summary, the available evidence is currently insufficient to determine the role of this variant in disease. Therefore, it has been classified as a Variant of Uncertain Significance. Algorithms developed to predict the effect of missense changes on protein structure and function (SIFT, PolyPhen-2, Align-GVGD) all suggest that this variant is likely to be tolerated. This variant has not been reported in the literature in individuals affected with TP63-related conditions. This variant is not present in population databases (gnomAD no frequency). This sequence change replaces threonine, which is neutral and polar, with alanine, which is neutral and non-polar, at codon 136 of the TP63 protein (p.Thr136Ala).

NM_003722.5(TP63):c.406A>G (p.Thr136Ala)

Gene: TP63 (tumor protein p63; plus strand). Cytogenetic location: 3q28.
Variant type: single nucleotide variant.
Coding change: c.406A>G on transcript NM_003722.5 (MANE Select); coding-DNA position 406, A replaced by G.
Protein change: p.Thr136Ala; replaces threonine 136 with alanine.
Molecular consequence: missense variant. On other transcripts: intron variant (2).
Genome position (GRCh38, 1-based): chr3:189,808,353, A>G. VCF-style: chr3-189808353-A-G. GRCh37 (hg19) VCF-style: chr3-189526142-A-G.
Other names: c.406A>G, p.Thr136Ala (NM_001114978.2, NM_001114979.2, NM_001329144.2 and 1 more transcripts); c.124A>G, p.Thr42Ala (NM_001114980.2, NM_001114981.2, NM_001114982.2 and 2 more transcripts); c.400A>G, p.Thr134Ala (NM_001329964.2); c.42+18511A>G (NM_001329146.2, NM_001329150.2); short protein forms T136A, T42A, T134A.
Identifiers: ClinVar variation 2184168 (VCV002184168.3), dbSNP rs2108637501, ClinGen allele CA355750493.
Genomic context (GRCh38, chr3:189,808,353, plus strand): 5'-CTCCTGAACAGCATGGACCAGCAGATTCAGAACGGCTCCTCGTCCACCAGTCCCTATAAC[A>G]CAGACCACGCGCAGAACAGCGTCACGGCGCCCTCGCCCTACGCACAGCCCAGCTCCACCT-3'
Protein context (NP_003713.3, residues 126-146): NGSSSTSPYN[Thr136Ala]DHAQNSVTAP